The following is an entry in ClinVar:

ClinVar aggregate classification (germline): Uncertain significance (1 of 4 stars; one submission).

Conditions:
Hereditary spastic paraplegia 31. Also called: SPASTIC PARAPLEGIA 31, AUTOSOMAL DOMINANT. Identifiers: Orphanet 101011, MedGen C1853247, MONDO:0012453, OMIM 610250.

Allele frequency attached by ClinVar (database versions not stated): TOPMed below 0.00001; gnomAD 0.00001.
gnomAD v4.1: 1 of 1,614,018 alleles (0.000062%); highest among the groups gnomAD compares: Admixed American, 0.0017%; no homozygotes.

Submission:

Labcorp Genetics (formerly Invitae), Labcorp
Classification: Uncertain significance for Hereditary spastic paraplegia 31. Last evaluated: 2020-03-06. Review status: criteria provided, single submitter. Criteria: Invitae Variant Classification Sherloc (09022015). Collection method: clinical testing. Allele origin: germline.
Comment: In summary, the available evidence is currently insufficient to determine the role of this variant in disease. Therefore, it has been classified as a Variant of Uncertain Significance. Algorithms developed to predict the effect of missense changes on protein structure and function are either unavailable or do not agree on the potential impact of this missense change (SIFT: "Deleterious"; PolyPhen-2: "Possibly Damaging"; Align-GVGD: "Class C0"). This variant has been observed in individual(s) with hereditary spastic paraplegia (Invitae). It has also been observed to segregate with disease in related individuals. This variant is not present in population databases (ExAC no frequency). This sequence change replaces leucine with proline at codon 118 of the REEP1 protein (p.Leu118Pro). The leucine residue is highly conserved and there is a moderate physicochemical difference between leucine and proline.

NM_001371279.1(REEP1):c.353T>C (p.Leu118Pro)

Gene: REEP1 (receptor accessory protein 1; minus strand). Cytogenetic location: 2p11.2.
Variant type: single nucleotide variant.
Coding change: c.353T>C on transcript NM_001371279.1 (MANE Select); coding-DNA position 353, T replaced by C.
Protein change: p.Leu118Pro; replaces leucine 118 with proline.
Molecular consequence: missense variant. On other transcripts: intron variant (1).
Genome position (GRCh38, 1-based): chr2:86,252,021, A>G on the plus strand (T>C on the coding strand, the complement: REEP1 is on the minus strand). VCF-style: chr2-86252021-A-G. GRCh37 (hg19) VCF-style: chr2-86479144-A-G.
Other names: c.374T>C, p.Leu125Pro (NM_001164730.2); c.272T>C, p.Leu91Pro (NM_001164731.2); c.353T>C, p.Leu118Pro (NM_001371280.1, NM_022912.3); c.182+11944T>C (NM_001164732.2); short protein forms L125P, L91P, L118P.
Identifiers: ClinVar variation 855344 (VCV000855344.10), dbSNP rs1553461156, ClinGen allele CA347716184.